The following is an entry in ClinVar:

ClinVar aggregate classification (germline): Uncertain significance (1 of 4 stars; one submission).

Conditions:
Cohen syndrome (COH1). Also called: PEPPER SYNDROME; Cutis verticis gyrata, retinitis pigmentosa, and sensorineural deafness. Identifiers: Orphanet 193, MedGen C0265223, MONDO:0008999, OMIM 216550.

Allele frequency attached by ClinVar (database versions not stated): gnomAD exomes 0.00001.
gnomAD v4.1: 3 of 1,613,774 alleles (0.00019%); highest among the groups gnomAD compares: Non-Finnish European, 0.00025%; no homozygotes.

Submission:

Labcorp Genetics (formerly Invitae), Labcorp
Classification: Uncertain significance for Cohen syndrome. Last evaluated: 2021-04-29. Review status: criteria provided, single submitter. Criteria: Invitae Variant Classification Sherloc (09022015). Collection method: clinical testing. Allele origin: germline.
Comment: This sequence change replaces proline with serine at codon 1506 of the VPS13B protein (p.Pro1506Ser). The proline residue is moderately conserved and there is a moderate physicochemical difference between proline and serine. This variant is not present in population databases (ExAC no frequency). This variant has not been reported in the literature in individuals with VPS13B-related conditions. Algorithms developed to predict the effect of missense changes on protein structure and function are either unavailable or do not agree on the potential impact of this missense change (SIFT: "Not Available"; PolyPhen-2: "Probably Damaging"; Align-GVGD: "Not Available"). In summary, the available evidence is currently insufficient to determine the role of this variant in disease. Therefore, it has been classified as a Variant of Uncertain Significance.

NM_152564.5(VPS13B):c.4441C>T (p.Pro1481Ser)

Gene: VPS13B (vacuolar protein sorting 13 homolog B; plus strand). Cytogenetic location: 8q22.2.
Variant type: single nucleotide variant.
Coding change: c.4441C>T on transcript NM_152564.5 (MANE Select); coding-DNA position 4441, C replaced by T.
Protein change: p.Pro1481Ser; replaces proline 1481 with serine.
Molecular consequence: missense variant.
Genome position (GRCh38, 1-based): chr8:99,511,320, C>T. VCF-style: chr8-99511320-C-T. GRCh37 (hg19) VCF-style: chr8-100523548-C-T.
Other names: c.4516C>T, p.Pro1506Ser (NM_017890.5); short protein forms P1481S, P1506S.
Identifiers: ClinVar variation 2155899 (VCV002155899.1), dbSNP rs1821777244, ClinGen allele CA371871637.
Genomic context (GRCh38, chr8:99,511,320, plus strand): 5'-CCTCATTTTCTTCATGAAATTCTTCTTTCAGCACAAGCTTTTGATATTGTTCTTTATTTT[C>T]CTTTACTTAATGCCATTGCAAGTATATTTCAAGCAAAACTACCAAAGACCCAAAAAGAGA-3'
Protein context (NP_689777.3, residues 1471-1491): AQAFDIVLYF[Pro1481Ser]LLNAIASIFQ